The following is an entry in ClinVar:

ClinVar aggregate classification (germline): Benign/Likely benign. Review status: criteria provided, multiple submitters, no conflicts (2 of 4 stars). 4 submissions from 4 submitters: Benign (1); Likely benign (3). Last evaluated 2026-02-01.

Conditions:
Combined immunodeficiency due to ZAP70 deficiency (IMD48). Also called: ZAP70 Deficiency; Immunodeficiency 48. Identifiers: Orphanet 911, MedGen C2931299, MONDO:0010023, OMIM 269840.

Allele frequency attached by ClinVar (database versions not stated): gnomAD exomes 0.00021 and 0.00063; ExAC 0.00080; TOPMed 0.00287; 1000 Genomes Project 30x 0.00297; gnomAD 0.00247 and 0.00272; 1000 Genomes Project 0.00280; ESP Exome Variant Server 0.00231.
gnomAD v4.1: 691 of 1,598,232 alleles (0.043%); highest among the groups gnomAD compares: African/African-American, 0.86%; 3 homozygotes.

Submissions (4):

Labcorp Genetics (formerly Invitae), Labcorp
Classification: Benign for Combined immunodeficiency due to ZAP70 deficiency. Last evaluated: 2026-02-01. Review status: criteria provided, single submitter. Criteria: Invitae Variant Classification Sherloc (09022015). Collection method: clinical testing. Allele origin: germline.

Women's Health and Genetics/Laboratory Corporation of America, LabCorp
Classification: Likely benign. Last evaluated: 2026-01-22. Review status: criteria provided, single submitter. Criteria: LabCorp Variant Classification Summary - May 2015. Collection method: clinical testing. Allele origin: germline.

Blueprint Genetics
Classification: Likely benign. Last evaluated: 2024-06-10. Review status: criteria provided, single submitter. Criteria: ACMG Guidelines, 2015. Collection method: clinical testing. Allele origin: germline.

Illumina Laboratory Services, Illumina
Classification: Likely benign for Combined immunodeficiency due to ZAP70 deficiency. Last evaluated: 2018-01-12. Review status: criteria provided, single submitter. Criteria: ICSL Variant Classification Criteria 13 December 2019. Collection method: clinical testing. Allele origin: germline.
Comment: This variant was observed in the ICSL laboratory as part of a predisposition screen in an ostensibly healthy population. It had not been previously curated by ICSL or reported in the Human Gene Mutation Database (HGMD: prior to June 1st, 2018), and was therefore a candidate for classification through an automated scoring system. Utilizing variant allele frequency, disease prevalence and penetrance estimates, and inheritance mode, an automated score was calculated to assess if this variant is too frequent to cause the disease. Based on the score and internal cut-off values, a variant classified as likely benign is not then subjected to further curation. The score for this variant resulted in a classification of likely benign for this disease.

NM_001079.4(ZAP70):c.810C>T (p.Leu270=)

Gene: ZAP70 (zeta chain of T cell receptor associated protein kinase 70; plus strand). Cytogenetic location: 2q11.2.
Variant type: single nucleotide variant.
Coding change: c.810C>T on transcript NM_001079.4 (MANE Select); coding-DNA position 810, C replaced by T.
Protein change: p.Leu270=; no amino-acid change (leucine 270 retained).
Molecular consequence: synonymous variant. On other transcripts: 5 prime UTR variant (1).
Genome position (GRCh38, 1-based): chr2:97,733,316, C>T. VCF-style: chr2-97733316-C-T. GRCh37 (hg19) VCF-style: chr2-98349779-C-T.
Other names: c.810C>T, p.Leu270= (NM_001378594.1); c.-1236C>T (NM_207519.2).
Identifiers: ClinVar variation 337632 (VCV000337632.20), dbSNP rs143181735, ClinGen allele CA1790243.